The following is an entry in ClinVar:

ClinVar aggregate classification (germline): Uncertain significance (1 of 4 stars; one submission).

Conditions:
Catecholaminergic polymorphic ventricular tachycardia 1. Also called: VENTRICULAR TACHYCARDIA, CATECHOLAMINERGIC POLYMORPHIC, 1, WITH OR WITHOUT ATRIAL DYSFUNCTION AND/OR DILATED CARDIOMYOPATHY; RYR2-Related Catecholaminergic Polymorphic Ventricular Tachycardia; VENTRICULAR TACHYCARDIA, STRESS-INDUCED POLYMORPHIC 1. Identifiers: Orphanet 3286, MedGen C1631597, MONDO:0011484, OMIM 604772.

Submission:

Labcorp Genetics (formerly Invitae), Labcorp
Classification: Uncertain significance for Catecholaminergic polymorphic ventricular tachycardia 1. Last evaluated: 2024-07-03. Review status: criteria provided, single submitter. Criteria: Invitae Variant Classification Sherloc (09022015). Collection method: clinical testing. Allele origin: germline.
Comment: This sequence change replaces methionine, which is neutral and non-polar, with leucine, which is neutral and non-polar, at codon 2689 of the RYR2 protein (p.Met2689Leu). This variant is not present in population databases (gnomAD no frequency). This variant has not been reported in the literature in individuals affected with RYR2-related conditions. Advanced modeling of protein sequence and biophysical properties (such as structural, functional, and spatial information, amino acid conservation, physicochemical variation, residue mobility, and thermodynamic stability) performed at Invitae indicates that this missense variant is not expected to disrupt RYR2 protein function with a negative predictive value of 95%. In summary, the available evidence is currently insufficient to determine the role of this variant in disease. Therefore, it has been classified as a Variant of Uncertain Significance.

NM_001035.3(RYR2):c.8065A>C (p.Met2689Leu)

Gene: RYR2 (ryanodine receptor 2; plus strand). Cytogenetic location: 1q43.
Variant type: single nucleotide variant.
Coding change: c.8065A>C on transcript NM_001035.3 (MANE Select); coding-DNA position 8065, A replaced by C.
Protein change: p.Met2689Leu; replaces methionine 2689 with leucine.
Molecular consequence: missense variant.
Genome position (GRCh38, 1-based): chr1:237,655,920, A>C. VCF-style: chr1-237655920-A-C. GRCh37 (hg19) VCF-style: chr1-237819220-A-C.
Other names: short protein forms M2689L.
Identifiers: ClinVar variation 3633810 (VCV003633810.2).